The following is an entry in ClinVar:

ClinVar aggregate classification (germline): Uncertain significance (1 of 4 stars; one submission).

Conditions:
Hereditary cancer-predisposing syndrome. Also called: Hereditary Cancer Syndrome; Hereditary neoplastic syndrome; Neoplastic Syndromes, Hereditary; Tumor predisposition. Identifiers: Orphanet 140162, MedGen C0027672, MeSH D009386, MONDO:0015356.

gnomAD v4.1: 2 of 1,610,244 alleles (0.00012%); highest among the groups gnomAD compares: Non-Finnish European, 0.00017%; no homozygotes.

Submission:

Ambry Genetics
Classification: Uncertain significance for Hereditary cancer-predisposing syndrome. Last evaluated: 2025-08-18. Review status: criteria provided, single submitter. Criteria: Ambry Variant Classification Scheme 2023. Collection method: clinical testing. Allele origin: germline.
Comment: The p.I302T variant (also known as c.905T>C), located in coding exon 7 of the DICER1 gene, results from a T to C substitution at nucleotide position 905. The isoleucine at codon 302 is replaced by threonine, an amino acid with similar properties. This amino acid position is well conserved in available vertebrate species. In addition, the in silico prediction for this alteration is inconclusive. Based on the available evidence, the clinical significance of this variant remains unclear.

NM_177438.3(DICER1):c.905T>C (p.Ile302Thr)

Gene: DICER1 (dicer 1, ribonuclease III; minus strand). Cytogenetic location: 14q32.13.
Variant type: single nucleotide variant.
Coding change: c.905T>C on transcript NM_177438.3 (MANE Select); coding-DNA position 905, T replaced by C.
Protein change: p.Ile302Thr; replaces isoleucine 302 with threonine.
Molecular consequence: missense variant. On other transcripts: 5 prime UTR variant (1), non-coding transcript variant (6).
Genome position (GRCh38, 1-based): chr14:95,124,667, A>G on the plus strand (T>C on the coding strand, the complement: DICER1 is on the minus strand). VCF-style: chr14-95124667-A-G. GRCh37 (hg19) VCF-style: chr14-95591004-A-G.
Other names: c.905T>C, p.Ile302Thr (NM_001395693.1, NM_001395694.1, NM_001395695.1 and 14 more transcripts); c.500T>C, p.Ile167Thr (NM_001395696.1, NM_001395698.1, NM_001395687.1 and 3 more transcripts); c.-664T>C (NM_001395697.1); c.623T>C, p.Ile208Thr (NM_001395686.1); c.338T>C, p.Ile113Thr (NM_001395691.1); short protein forms I208T, I302T, I113T, I167T.
Identifiers: ClinVar variation 4240514 (VCV004240514.1).